The following is an entry in ClinVar:

ClinVar aggregate classification (germline): Uncertain significance. Review status: criteria provided, multiple submitters, no conflicts (2 of 4 stars). 3 submissions from 3 submitters: Uncertain significance (3). Last evaluated 2025-01-20.

Conditions:
Hermansky-Pudlak syndrome 2 (HPS2). Also called: Platelet defects and oculocutaneous albinism. Identifiers: Orphanet 183678, Orphanet 79430, MedGen C1842362, MONDO:0011997, OMIM 608233.

Allele frequency attached by ClinVar (database versions not stated): gnomAD 0.00001; gnomAD exomes 0.00005 and 0.00010; TOPMed 0.00006; ExAC 0.00011.
gnomAD v4.1: 30 of 1,612,508 alleles (0.0019%); highest among the groups gnomAD compares: Admixed American, 0.047%; no homozygotes.

Submissions (3):

Mayo Clinic Laboratories, Mayo Clinic
Classification: Uncertain significance. Last evaluated: 2025-01-20. Review status: criteria provided, single submitter. Criteria: ACMG Guidelines, 2015. Collection method: clinical testing. Allele origin: germline. Observed: 2 variant alleles.
Comment: BP4_moderate

GeneDx
Classification: Uncertain significance. Last evaluated: 2023-11-15. Review status: criteria provided, single submitter. Criteria: GeneDx Variant Classification Process June 2021. Collection method: clinical testing. Allele origin: germline. Affected: yes.
Comment: In silico analysis supports that this missense variant does not alter protein structure/function; Has not been previously published as pathogenic or benign to our knowledge

Labcorp Genetics (formerly Invitae), Labcorp
Classification: Uncertain significance for Hermansky-Pudlak syndrome 2. Last evaluated: 2022-06-25. Review status: criteria provided, single submitter. Criteria: Invitae Variant Classification Sherloc (09022015). Collection method: clinical testing. Allele origin: germline.
Comment: This sequence change replaces threonine, which is neutral and polar, with alanine, which is neutral and non-polar, at codon 387 of the AP3B1 protein (p.Thr387Ala). This variant is present in population databases (rs762030946, gnomAD 0.07%). This variant has not been reported in the literature in individuals affected with AP3B1-related conditions. ClinVar contains an entry for this variant (Variation ID: 573629). Algorithms developed to predict the effect of missense changes on protein structure and function (SIFT, PolyPhen-2, Align-GVGD) all suggest that this variant is likely to be tolerated. In summary, the available evidence is currently insufficient to determine the role of this variant in disease. Therefore, it has been classified as a Variant of Uncertain Significance.

NM_003664.5(AP3B1):c.1159A>G (p.Thr387Ala)

Gene: AP3B1 (adaptor related protein complex 3 subunit beta 1; minus strand). Cytogenetic location: 5q14.1.
Variant type: single nucleotide variant.
Coding change: c.1159A>G on transcript NM_003664.5 (MANE Select); coding-DNA position 1159, A replaced by G.
Protein change: p.Thr387Ala; replaces threonine 387 with alanine.
Molecular consequence: missense variant.
Genome position (GRCh38, 1-based): chr5:78,175,634, T>C on the plus strand (A>G on the coding strand, the complement: AP3B1 is on the minus strand). VCF-style: chr5-78175634-T-C. GRCh37 (hg19) VCF-style: chr5-77471458-T-C.
Other names: p.Thr387Ala; c.1012A>G, p.Thr338Ala (NM_001271769.2); c.1159A>G (NM_003664.3); short protein forms T387A, T338A.
Identifiers: ClinVar variation 573629 (VCV000573629.8), dbSNP rs762030946, ClinGen allele CA3317172.
Genomic context (GRCh38, chr5:78,175,634, plus strand): 5'-TCTCTTCAAAACAAATGTGTTAAAAGCCTCTGAAAAATGAAAGCATACATACCTTCAGTG[T>C]CTTGATCATAGTTGGATCAGTTGACCTAACATAGAAACTCTTCAGATAAGGTTCAAACAT-3'
Protein context (NP_003655.3, residues 377-397): VRSTDPTMIK[Thr387Ala]LKLEILTNLA